The following is an entry in ClinVar:

ClinVar aggregate classification (germline): Uncertain significance (1 of 4 stars; one submission).

gnomAD v4.1: 4 of 1,538,092 alleles (0.00026%); highest among the groups gnomAD compares: East Asian, 0.0051%; no homozygotes.

Submission:

CeGaT Center for Human Genetics Tuebingen
Classification: Uncertain significance. Last evaluated: 2024-11-01. Review status: criteria provided, single submitter. Criteria: CeGaT Center For Human Genetics Tuebingen Variant Classification Criteria Version 2. Collection method: clinical testing. Allele origin: germline. Affected: yes. Observed: 1 variant allele.
Comment: SUZ12: PP3

NM_015355.4(SUZ12):c.146G>T (p.Gly49Val)

Gene: SUZ12 (SUZ12 polycomb repressive complex 2 subunit; plus strand). Cytogenetic location: 17q11.2.
Variant type: single nucleotide variant.
Coding change: c.146G>T on transcript NM_015355.4 (MANE Select); coding-DNA position 146, G replaced by T.
Protein change: p.Gly49Val; replaces glycine 49 with valine.
Molecular consequence: missense variant.
Genome position (GRCh38, 1-based): chr17:31,937,392, G>T. VCF-style: chr17-31937392-G-T. GRCh37 (hg19) VCF-style: chr17-30264411-G-T.
Other names: c.146G>T, p.Gly49Val (NM_001321207.2); short protein forms G49V.
Identifiers: ClinVar variation 3390085 (VCV003390085.14).